The following is an entry in ClinVar:

ClinVar aggregate classification (germline): Uncertain significance (1 of 4 stars; one submission).

Conditions:
Metachromatic leukodystrophy (MLD). Also called: ARSA DEFICIENCY; CEREBROSIDE SULFATASE DEFICIENCY; METACHROMATIC LEUKOENCEPHALOPATHY; SULFATIDE LIPIDOSIS; Cerebral sclerosis diffuse metachromatic form; Arylsulfatase A Deficiency. Identifiers: Orphanet 512, MedGen C0023522, MONDO:0018868, OMIM 250100.

Allele frequency attached by ClinVar (database versions not stated): gnomAD exomes below 0.00001; TOPMed below 0.00001.
gnomAD v4.1: 1 of 1,613,042 alleles (0.000062%); highest among the groups gnomAD compares: Admixed American, 0.0017%; no homozygotes.

Submission:

Labcorp Genetics (formerly Invitae), Labcorp
Classification: Uncertain significance for Metachromatic leukodystrophy. Last evaluated: 2022-06-04. Review status: criteria provided, single submitter. Criteria: Invitae Variant Classification Sherloc (09022015). Collection method: clinical testing. Allele origin: germline.
Comment: This sequence change replaces serine, which is neutral and polar, with alanine, which is neutral and non-polar, at codon 188 of the ARSA protein (p.Ser188Ala). This variant is present in population databases (no rsID available, gnomAD 0.003%). This variant has not been reported in the literature in individuals affected with ARSA-related conditions. ClinVar contains an entry for this variant (Variation ID: 1367463). Algorithms developed to predict the effect of missense changes on protein structure and function (SIFT, PolyPhen-2, Align-GVGD) all suggest that this variant is likely to be tolerated. In summary, the available evidence is currently insufficient to determine the role of this variant in disease. Therefore, it has been classified as a Variant of Uncertain Significance.

NM_000487.6(ARSA):c.562T>G (p.Ser188Ala)

Gene: ARSA (arylsulfatase A; minus strand). Cytogenetic location: 22q13.33.
Variant type: single nucleotide variant.
Coding change: c.562T>G on transcript NM_000487.6 (MANE Select); coding-DNA position 562, T replaced by G.
Protein change: p.Ser188Ala; replaces serine 188 with alanine.
Molecular consequence: missense variant.
Genome position (GRCh38, 1-based): chr22:50,626,956, A>C on the plus strand (T>G on the coding strand, the complement: ARSA is on the minus strand). VCF-style: chr22-50626956-A-C. GRCh37 (hg19) VCF-style: chr22-51065384-A-C.
Other names: c.562T>G, p.Ser188Ala (NM_001085425.3, NM_001085426.3, NM_001085427.3); c.304T>G, p.Ser102Ala (NM_001085428.3, NM_001362782.2); short protein forms S102A, S188A.
Identifiers: ClinVar variation 1367463 (VCV001367463.5), dbSNP rs1428555439, ClinGen allele CA412177531.
Genomic context (GRCh38, chr22:50,626,956, plus strand): 5'-GGGCGAAAGCCATGTAGCGGGCCTCTAGTCCGGGCAGCCAGGGGGGCTGCGCCTCCACGG[A>C]CAGGTTGGCCAACAGTGGGATGGGGACCAGGCCCTGGTCACAGCCACCGTCGCAAGGAGT-3'
Protein context (NP_000478.3, residues 178-198): LVPIPLLANL[Ser188Ala]VEAQPPWLPG